The following is an entry in ClinVar:

NM_000088.4(COL1A1):c.3369+1_3369+2del

Gene: COL1A1 (collagen type I alpha 1 chain; minus strand). Cytogenetic location: 17q21.33.
Variant type: Deletion.
Coding change: c.3369+1_3369+2del on transcript NM_000088.4 (MANE Select); the canonical splice donor site of the intron after coding-DNA position 3369, 2 bases deleted (GT; older notation c.3369+1_3369+2delGT).
Molecular consequence: splice donor variant.
Genome position (GRCh38, 1-based): chr17:50,187,874-50,187,875, AC deleted on the plus strand (GT on the coding strand, the reverse complement: COL1A1 is on the minus strand); deleting any 2 consecutive bases within chr17:50,187,874-50,187,876 gives the same sequence; the c. name uses the placement nearest the transcript's 3' end. VCF-style (leftmost placement, unchanged base first): chr17-50187873-TAC-T. GRCh37 (hg19) VCF-style: chr17-48265234-TAC-T.
Other names: c.3369+1_3369+2delGT (NM_000088.4).
Identifiers: ClinVar variation 4280703 (VCV004280703.1).

ClinVar aggregate classification (germline): Pathogenic (1 of 4 stars; one submission).

Conditions:
Osteogenesis imperfecta type I (OI1). Also called: OI, TYPE I; OSTEOGENESIS IMPERFECTA TARDA; OSTEOGENESIS IMPERFECTA WITH BLUE SCLERAE; Osteogenesis imperfecta type 1; Lobstein's Disease; Lobstein disease. Identifiers: Orphanet 216796, Orphanet 666, MedGen C0023931, MONDO:0008146, OMIM 166200. Disease mechanism: loss of function.

Submission:

Laboratory of Genetic Skeletal Anomaly, Seoul National University Children's Hospital
Classification: Pathogenic for Osteogenesis imperfecta type I. Last evaluated: 2025-03-01. Review status: criteria provided, single submitter. Criteria: ACMG Guidelines, 2015. Collection method: research. Allele origin: germline. Affected: yes.
Comment: This variant is a novel variant not previously reported in the literature or population databases. It was classified based on available in silico predictions and absence from gnomAD.